The following is an entry in ClinVar:

ClinVar aggregate classification (germline): Uncertain significance (1 of 4 stars; one submission).

Allele frequency attached by ClinVar (database versions not stated): gnomAD exomes below 0.00001; ExAC 0.00001.
gnomAD v4.1: 1 of 1,612,560 alleles (0.000062%); highest among the groups gnomAD compares: Admixed American, 0.0017%; no homozygotes.

Submission:

Labcorp Genetics (formerly Invitae), Labcorp
Classification: Uncertain significance. Last evaluated: 2025-09-08. Review status: criteria provided, single submitter. Criteria: Invitae Variant Classification Sherloc (09022015). Collection method: clinical testing. Allele origin: germline.
Comment: This sequence change replaces proline, which is neutral and non-polar, with serine, which is neutral and polar, at codon 805 of the RBP3 protein (p.Pro805Ser). This variant is present in population databases (rs782478657, gnomAD 0.003%). This variant has not been reported in the literature in individuals affected with RBP3-related conditions. ClinVar contains an entry for this variant (Variation ID: 1502453). Invitae Evidence Modeling of protein sequence and biophysical properties (such as structural, functional, and spatial information, amino acid conservation, physicochemical variation, residue mobility, and thermodynamic stability) has been performed for this missense variant. However, the output from this modeling did not meet the statistical confidence thresholds required to predict the impact of this variant on RBP3 protein function. In summary, the available evidence is currently insufficient to determine the role of this variant in disease. Therefore, it has been classified as a Variant of Uncertain Significance.

NM_002900.3(RBP3):c.2413C>T (p.Pro805Ser)

Gene: RBP3 (retinol binding protein 3; plus strand). Cytogenetic location: 10q11.22.
Variant type: single nucleotide variant.
Coding change: c.2413C>T on transcript NM_002900.3 (MANE Select); coding-DNA position 2413, C replaced by T.
Protein change: p.Pro805Ser; replaces proline 805 with serine.
Molecular consequence: missense variant.
Genome position (GRCh38, 1-based): chr10:47,350,897, C>T. VCF-style: chr10-47350897-C-T. GRCh37 (hg19) VCF-style: chr10-48388465-G-A.
Other names: short protein forms P805S.
Identifiers: ClinVar variation 1502453 (VCV001502453.8), dbSNP rs782478657, ClinGen allele CA5487288.